The following is an entry in ClinVar:

ClinVar aggregate classification (germline): Uncertain significance (1 of 4 stars; one submission).

Conditions:
Hereditary cancer-predisposing syndrome. Also called: Neoplastic Syndromes, Hereditary; Tumor predisposition; Hereditary Cancer Syndrome; Hereditary neoplastic syndrome. Identifiers: Orphanet 140162, MedGen C0027672, MeSH D009386, MONDO:0015356.

Submission:

Color Diagnostics, LLC DBA Color Health
Classification: Uncertain significance for Hereditary cancer-predisposing syndrome. Last evaluated: 2023-12-04. Review status: criteria provided, single submitter. Criteria: ACMG Guidelines, 2015. Collection method: clinical testing. Allele origin: germline.
Comment: This missense variant replaces leucine with phenylalanine at codon 190 of the STK11 protein. Computational prediction suggests that this variant may have deleterious impact on protein structure and function (internally defined REVEL score threshold >= 0.7, PMID: 27666373). To our knowledge, functional studies have not been reported for this variant. This variant has not been reported in individuals affected with STK11-related disorders in the literature. This variant has not been identified in the general population by the Genome Aggregation Database (gnomAD). The available evidence is insufficient to determine the role of this variant in disease conclusively. Therefore, this variant is classified as a Variant of Uncertain Significance.

NM_000455.5(STK11):c.568C>T (p.Leu190Phe)

Gene: STK11 (serine/threonine kinase 11; plus strand). Cytogenetic location: 19p13.3.
Variant type: single nucleotide variant.
Coding change: c.568C>T on transcript NM_000455.5 (MANE Select); coding-DNA position 568, C replaced by T.
Protein change: p.Leu190Phe; replaces leucine 190 with phenylalanine.
Molecular consequence: missense variant.
Genome position (GRCh38, 1-based): chr19:1,220,476, C>T. VCF-style: chr19-1220476-C-T. GRCh37 (hg19) VCF-style: chr19-1220475-C-T.
Other names: short protein forms L190F.
Identifiers: ClinVar variation 921793 (VCV000921793.4), dbSNP rs2080774858, ClinGen allele CA402949221.
Genomic context (GRCh38, chr19:1,220,476, plus strand): 5'-CAGGGCATTGTGCACAAGGACATCAAGCCGGGGAACCTGCTGCTCACCACCGGTGGCACC[C>T]TCAAAATCTCCGACCTGGGCGTGGCCGAGGTAGGCACGTGCTAGGGGGGGCCCTGGGGCG-3'
Protein context (NP_000446.1, residues 180-200): GNLLLTTGGT[Leu190Phe]KISDLGVAEA